The following is an entry in ClinVar:

NM_017841.4(SDHAF2):c.286C>T (p.His96Tyr)

Gene: SDHAF2 (succinate dehydrogenase complex assembly factor 2; plus strand). Cytogenetic location: 11q12.2.
Variant type: single nucleotide variant.
Coding change: c.286C>T on transcript NM_017841.4 (MANE Select); coding-DNA position 286, C replaced by T.
Protein change: p.His96Tyr; replaces histidine 96 with tyrosine.
Molecular consequence: missense variant.
Genome position (GRCh38, 1-based): chr11:61,438,029, C>T. VCF-style: chr11-61438029-C-T. GRCh37 (hg19) VCF-style: chr11-61205501-C-T.
Other names: short protein forms H96Y.
Identifiers: ClinVar variation 187214 (VCV000187214.15), dbSNP rs755605816, ClinGen allele CA017327.

ClinVar aggregate classification (germline): Uncertain significance. Review status: criteria provided, multiple submitters, no conflicts (2 of 4 stars). 3 submissions from 3 submitters: Uncertain significance (3). Last evaluated 2025-07-04.

Conditions:
Hereditary cancer-predisposing syndrome. Also called: Tumor predisposition; Hereditary neoplastic syndrome; Neoplastic Syndromes, Hereditary; Hereditary Cancer Syndrome. Identifiers: Orphanet 140162, MedGen C0027672, MeSH D009386, MONDO:0015356.
Hereditary pheochromocytoma and paraganglioma. Also called: Hereditary paragangliomas and pheochromocytomas; Hereditary Paraganglioma-Pheochromocytoma Syndromes; Hereditary pheochromocytoma-paraganglioma. Identifiers: Orphanet 29072, MedGen C4274332, MONDO:0017366.
Pheochromocytoma/paraganglioma syndrome 2. Also called: GLOMUS TUMORS, FAMILIAL, 2; SDHAF2-Related Hereditary Paraganglioma-Pheochromocytoma Syndrome; Paragangliomas 2; SDHAF2-Related Hereditary Paraganglioma-Pheochromocytoma Syndrome (Paragangliomas 2). Identifiers: Orphanet 29072, MedGen C1866552, MONDO:0011121, OMIM 601650.

Allele frequency attached by ClinVar (database versions not stated): gnomAD 0.00001; gnomAD exomes 0.00001 and 0.00003; TOPMed 0.00001; ExAC 0.00002.

Submissions (3):

Ambry Genetics
Classification: Uncertain significance for Hereditary cancer-predisposing syndrome. Last evaluated: 2025-07-04. Review status: criteria provided, single submitter. Criteria: Ambry Variant Classification Scheme 2023. Collection method: clinical testing. Allele origin: germline.
Comment: The p.H96Y variant (also known as c.286C>T), located in coding exon 3 of the SDHAF2 gene, results from a C to T substitution at nucleotide position 286. The histidine at codon 96 is replaced by tyrosine, an amino acid with similar properties. This amino acid position is poorly conserved in available vertebrate species. In addition, this alteration is predicted to be tolerated by in silico analysis. Since supporting evidence is limited at this time, the clinical significance of this alteration remains unclear.

Labcorp Genetics (formerly Invitae), Labcorp
Classification: Uncertain significance for Hereditary pheochromocytoma and paraganglioma. Last evaluated: 2025-06-18. Review status: criteria provided, single submitter. Criteria: Invitae Variant Classification Sherloc (09022015). Collection method: clinical testing. Allele origin: germline.
Comment: This sequence change replaces histidine, which is basic and polar, with tyrosine, which is neutral and polar, at codon 96 of the SDHAF2 protein (p.His96Tyr). This variant is present in population databases (rs755605816, gnomAD 0.002%). This variant has not been reported in the literature in individuals affected with SDHAF2-related conditions. ClinVar contains an entry for this variant (Variation ID: 187214). An algorithm developed to predict the effect of missense changes on protein structure and function (PolyPhen-2) suggests that this variant is likely to be tolerated. In summary, the available evidence is currently insufficient to determine the role of this variant in disease. Therefore, it has been classified as a Variant of Uncertain Significance.

Baylor Genetics
Classification: Uncertain significance for Pheochromocytoma/paraganglioma syndrome 2. Last evaluated: 2024-02-23. Review status: criteria provided, single submitter. Criteria: ACMG Guidelines, 2015. Collection method: clinical testing. Allele origin: unknown.